The following is an entry in ClinVar:

ClinVar aggregate classification (germline): Benign/Likely benign. Review status: criteria provided, multiple submitters, no conflicts (2 of 4 stars). 3 submissions from 3 submitters: Benign (1); Likely benign (2). Last evaluated 2026-02-01.

Allele frequency attached by ClinVar (database versions not stated): gnomAD 0.00009 and 0.00025; TOPMed 0.00015; ExAC 0.00094; gnomAD exomes 0.00094; 1000 Genomes Project 0.00220; 1000 Genomes Project 30x 0.00265.
gnomAD v4.1: 696 of 1,614,190 alleles (0.043%); highest among the groups gnomAD compares: South Asian, 0.54%; 7 homozygotes.

Submissions (3):

Labcorp Genetics (formerly Invitae), Labcorp
Classification: Benign. Last evaluated: 2026-02-01. Review status: criteria provided, single submitter. Criteria: Invitae Variant Classification Sherloc (09022015). Collection method: clinical testing. Allele origin: germline.

Blueprint Genetics
Classification: Likely benign. Last evaluated: 2024-11-04. Review status: criteria provided, single submitter. Criteria: ACMG Guidelines, 2015. Collection method: clinical testing. Allele origin: germline.

CeGaT Center for Human Genetics Tuebingen
Classification: Likely benign. Last evaluated: 2023-01-01. Review status: criteria provided, single submitter. Criteria: CeGaT Center For Human Genetics Tuebingen Variant Classification Criteria Version 2. Collection method: clinical testing. Allele origin: germline. Affected: yes. Observed: 1 variant allele.
Comment: RNF31: BP4, BP7, BS2

NM_017999.5(RNF31):c.543G>A (p.Lys181=)

Gene: RNF31 (ring finger protein 31; plus strand). Cytogenetic location: 14q12.
Variant type: single nucleotide variant.
Coding change: c.543G>A on transcript NM_017999.5 (MANE Select); coding-DNA position 543, G replaced by A.
Protein change: p.Lys181=; no amino-acid change (lysine 181 retained).
Molecular consequence: synonymous variant.
Genome position (GRCh38, 1-based): chr14:24,148,689, G>A. VCF-style: chr14-24148689-G-A. GRCh37 (hg19) VCF-style: chr14-24617898-G-A.
Other names: c.90G>A, p.Lys30= (NM_001310332.2).
Identifiers: ClinVar variation 1611588 (VCV001611588.33), dbSNP rs534822345, ClinGen allele CA7125519.
Genomic context (GRCh38, chr14:24,148,689, plus strand): 5'-TGTATTATTGCAGAATACTCATCCAAGACAGCAGGCACTGGAGCAGCTGTTGGAAGACAA[G>A]GTTGAAGATGATGTAAGGAAGGCAGGAAAGGGGCTGGTGTACAAAGGAAACAGGAATTGT-3'
Protein context (NP_060469.4, residues 171-191): QQALEQLLED[Lys181=]VEDDMLQLSE